The following is an entry in ClinVar:

ClinVar aggregate classification (germline): Likely benign (1 of 4 stars; one submission).

gnomAD v4.1: 40 of 1,598,344 alleles (0.0025%); highest among the groups gnomAD compares: East Asian, 0.07%; no homozygotes.

Submission:

CeGaT Center for Human Genetics Tuebingen
Classification: Likely benign. Last evaluated: 2025-11-01. Review status: criteria provided, single submitter. Criteria: CeGaT Center For Human Genetics Tuebingen Variant Classification Criteria Version 2. Collection method: clinical testing. Allele origin: germline. Affected: yes. Observed: 1 variant allele.
Comment: VPS41: BP4, BP7

NM_014396.4(VPS41):c.1581T>C (p.Ala527=)

Gene: VPS41 (VPS41 subunit of HOPS complex; minus strand). Cytogenetic location: 7p14.1.
Variant type: single nucleotide variant.
Coding change: c.1581T>C on transcript NM_014396.4 (MANE Select); coding-DNA position 1581, T replaced by C.
Protein change: p.Ala527=; no amino-acid change (alanine 527 retained).
Molecular consequence: synonymous variant.
Genome position (GRCh38, 1-based): chr7:38,756,952, A>G on the plus strand (T>C on the coding strand, the complement: VPS41 is on the minus strand). VCF-style: chr7-38756952-A-G. GRCh37 (hg19) VCF-style: chr7-38796552-A-G.
Other names: c.1506T>C, p.Ala502= (NM_080631.4).
Identifiers: ClinVar variation 4534354 (VCV004534354.6).
Genomic context (GRCh38, chr7:38,756,952, plus strand): 5'-ATTATGCTTGTGGATCAACTGAAAAACGTCTTTATGTCTTAATGTTAAGTATATTTCCAG[A>G]GCATTGCCATAGTTCTTGTCATAGGTGTACCTGGTAATACAAATTTTTTACATTAATATT-3'
Protein context (NP_055211.2, residues 517-537): LYTYDKNYGN[Ala527=]LEIYLTLRHK